The following is an entry in ClinVar:

NC_000004.12:g.(?_183663858)_(183712654_?)del

Gene: TRAPPC11 (trafficking protein particle complex subunit 11; plus strand). Cytogenetic location: 4q35.1.
Variant type: Deletion.
Identifiers: ClinVar variation 832412 (VCV000832412.1).

ClinVar aggregate classification (germline): Pathogenic (1 of 4 stars; one submission).

Conditions:
Autosomal recessive limb-girdle muscular dystrophy type R18 (LGMDR18). Also called: Limb-girdle muscular dystrophy, type 2S; MUSCULAR DYSTROPHY, LIMB-GIRDLE, AUTOSOMAL RECESSIVE 18; Autosomal recessive limb-girdle muscular dystrophy type 2S. Identifiers: Orphanet 369840, MedGen C4517996, MONDO:0014144, OMIM 615356.

Submission:

Labcorp Genetics (formerly Invitae), Labcorp
Classification: Pathogenic for Limb-girdle muscular dystrophy, type 2S. Last evaluated: 2019-12-09. Review status: criteria provided, single submitter. Criteria: Invitae Variant Classification Sherloc (09022015). Collection method: clinical testing. Allele origin: germline.
Comment: A gross deletion of the genomic region encompassing the full coding sequence of the TRAPPC11 gene has been identified. The boundaries of this event are unknown as the deletion extends beyond the assayed region for this gene and therefore may encompass additional genes. This variant has not been reported in the literature in individuals with TRAPPC11-related conditions. Loss-of-function variants in TRAPPC11 are known to be pathogenic (PMID: 23830518, 26322222). For these reasons, this variant has been classified as Pathogenic.